The following is an entry in ClinVar:

NM_020911.2(PLXNA4):c.2856+10G>A

Gene: PLXNA4 (plexin A4; minus strand). Cytogenetic location: 7q32.3.
Variant type: single nucleotide variant.
Coding change: c.2856+10G>A on transcript NM_020911.2 (MANE Select); 10 bases into the intron after coding-DNA position 2856, G replaced by A.
Molecular consequence: intron variant.
Genome position (GRCh38, 1-based): chr7:132,194,052, C>T on the plus strand (G>A on the coding strand, the complement: PLXNA4 is on the minus strand). VCF-style: chr7-132194052-C-T. GRCh37 (hg19) VCF-style: chr7-131878811-C-T.
Other names: c.2856+10G>A (NM_001393897.1).
Identifiers: ClinVar variation 3349893 (VCV003349893.1).

ClinVar aggregate classification (germline): Likely benign (0 of 4 stars; one submission).

Conditions:
PLXNA4-related disorder. Also called: PLXNA4-related condition.

gnomAD v4.1: 4 of 1,612,064 alleles (0.00025%); highest among the groups gnomAD compares: African/African-American, 0.0053%; no homozygotes.

Submission:

PreventionGenetics, part of Exact Sciences
Classification: Likely benign for PLXNA4-related condition. Last evaluated: 2024-05-28. Review status: no assertion criteria provided. Collection method: clinical testing. Allele origin: germline.
Comment: This variant is classified as likely benign based on ACMG/AMP sequence variant interpretation guidelines (Richards et al. 2015 PMID: 25741868, with internal and published modifications).